The following is an entry in ClinVar:

NM_175914.5(HNF4A):c.331G>T (p.Glu111Ter)

Gene: HNF4A (hepatocyte nuclear factor 4 alpha; plus strand). Cytogenetic location: 20q13.12.
Variant type: single nucleotide variant.
Coding change: c.331G>T on transcript NM_175914.5 (MANE Select); coding-DNA position 331, G replaced by T.
Protein change: p.Glu111Ter; replaces glutamic acid 111 with a stop codon.
Molecular consequence: nonsense.
Genome position (GRCh38, 1-based): chr20:44,413,705, G>T. VCF-style: chr20-44413705-G-T. GRCh37 (hg19) VCF-style: chr20-43042345-G-T.
Other names: NM_175914.5:c.331G>T; c.397G>T, p.Glu133Ter (NM_000457.6, NM_178849.3, NM_178850.3); c.331G>T, p.Glu111Ter (NM_001030003.3, NM_001030004.3); c.376G>T, p.Glu126Ter (NM_001258355.2); c.322G>T, p.Glu108Ter (NM_001287182.2, NM_001287183.2, NM_001287184.2); short protein forms E108*, E111*, E126*, E133*.
Identifiers: ClinVar variation 3068531 (VCV003068531.1), dbSNP rs2515675063, ClinGen allele CA409105413.

ClinVar aggregate classification (germline): Pathogenic (3 of 4 stars; one submission).

Conditions:
Monogenic diabetes. Identifiers: Orphanet 183625, MedGen C3888631, MONDO:0015967.

Submission:

ClinGen Monogenic Diabetes Variant Curation Expert Panel
Classification: Pathogenic for Monogenic diabetes. Last evaluated: 2024-04-05. Review status: reviewed by expert panel. Criteria: ClinGen Diabetes ACMG Specifications HNF4A V2.0.0. Collection method: curation. Allele origin: germline. Inheritance: Autosomal dominant inheritance.
Comment: The c.331G>T variant in the hepatic nuclear factor 4-alpha gene, HNF4A, results in a premature termination at codon 111 (p.(Glu111Ter)) of NM_175914.5. This variant, located in biologically-relevant exon 4 of 10, is predicted to lead to nonsense mediated decay in a gene in which loss-of-function is an established disease mechanism (PVS1; PMID:23348805). This variant is absent in gnomAD v2.1.1 (PM2_Supporting), and was identified in two unrelated individuals with non-autoimmune and non-absolute/near-absolute insulin-deficient diabetes; however, PS4_Moderate cannot be applied because this number is below the ClinGen MDEP threshold (internal lab contributors). One of these individuals has a clinical history highly specific for HNF4A-MODY (MODY probability calculator result >50%, negative genetic testing for HNF1A) (PP4; internal lab contributor). This variant segregated with diabetes with two informative meioses in this family; however, this does not meet the thresholds for PP1 set by the ClinGen MDEP (PMID: 27236918, internal lab contributor). In summary, c.331G>T meets the criteria to be classified as pathogenic for monogenic diabetes. ACMG/AMP criteria applied, as specified by the ClinGen MDEP (specification version 2.0.0, approved 10/11/23): PVS1, PP4, PM2_Supporting.